The following is an entry in ClinVar:

ClinVar aggregate classification (germline): Uncertain significance. Review status: criteria provided, multiple submitters, no conflicts (2 of 4 stars). 2 submissions from 2 submitters: Uncertain significance (2). Last evaluated 2024-03-06.

Conditions:
Hereditary cancer-predisposing syndrome. Also called: Neoplastic Syndromes, Hereditary; Tumor predisposition; Hereditary Cancer Syndrome; Hereditary neoplastic syndrome. Identifiers: Orphanet 140162, MedGen C0027672, MeSH D009386, MONDO:0015356.

Allele frequency attached by ClinVar (database versions not stated): gnomAD exomes below 0.00001.
gnomAD v4.1: 1 of 1,614,122 alleles (0.000062%); highest among the groups gnomAD compares: South Asian, 0.0011%; no homozygotes.

Submissions (2):

Color Diagnostics, LLC DBA Color Health
Classification: Uncertain significance for Hereditary cancer-predisposing syndrome. Last evaluated: 2024-03-06. Review status: criteria provided, single submitter. Criteria: ACMG Guidelines, 2015. Collection method: clinical testing. Allele origin: germline.
Comment: This missense variant replaces asparagine with aspartic acid at codon 446 of the BAP1 protein. Computational prediction suggests that this variant may not impact protein structure and function (internally defined REVEL score threshold <= 0.5, PMID: 27666373). Splice site prediction tools suggest that this variant may not impact RNA splicing. To our knowledge, functional studies have not been reported for this variant. This variant has not been reported in individuals affected with hereditary cancer in the literature. This variant has been identified in 1/251432 chromosomes in the general population by the Genome Aggregation Database (gnomAD). The available evidence is insufficient to determine the role of this variant in disease conclusively. Therefore, this variant is classified as a Variant of Uncertain Significance.

Ambry Genetics
Classification: Uncertain significance for Hereditary cancer-predisposing syndrome. Last evaluated: 2021-08-20. Review status: criteria provided, single submitter. Criteria: Ambry Variant Classification Scheme 2023. Collection method: clinical testing. Allele origin: germline.
Comment: The p.N446D variant (also known as c.1336A>G), located in coding exon 13 of the BAP1 gene, results from an A to G substitution at nucleotide position 1336. The asparagine at codon 446 is replaced by aspartic acid, an amino acid with highly similar properties. This amino acid position is not well conserved in available vertebrate species. In addition, this alteration is predicted to be tolerated by in silico analysis. Since supporting evidence is limited at this time, the clinical significance of this alteration remains unclear.

NM_004656.4(BAP1):c.1336A>G (p.Asn446Asp)

Gene: BAP1 (BRCA1 associated deubiquitinase 1; minus strand). Cytogenetic location: 3p21.1.
Variant type: single nucleotide variant.
Coding change: c.1336A>G on transcript NM_004656.4 (MANE Select); coding-DNA position 1336, A replaced by G.
Protein change: p.Asn446Asp; replaces asparagine 446 with aspartic acid.
Molecular consequence: missense variant.
Genome position (GRCh38, 1-based): chr3:52,403,809, T>C on the plus strand (A>G on the coding strand, the complement: BAP1 is on the minus strand). VCF-style: chr3-52403809-T-C. GRCh37 (hg19) VCF-style: chr3-52437825-T-C.
Other names: short protein forms N446D.
Identifiers: ClinVar variation 924088 (VCV000924088.6), dbSNP rs1361354120, ClinGen allele CA353102039.